The following is an entry in ClinVar:

NM_013382.7(POMT2):c.1975C>T (p.Arg659Trp)

Gene: POMT2 (protein O-mannosyltransferase 2; minus strand). Cytogenetic location: 14q24.3.
Variant type: single nucleotide variant.
Coding change: c.1975C>T on transcript NM_013382.7 (MANE Select); coding-DNA position 1975, C replaced by T.
Protein change: p.Arg659Trp; replaces arginine 659 with tryptophan.
Molecular consequence: missense variant.
Genome position (GRCh38, 1-based): chr14:77,278,786, G>A on the plus strand (C>T on the coding strand, the complement: POMT2 is on the minus strand). VCF-style: chr14-77278786-G-A. GRCh37 (hg19) VCF-style: chr14-77745129-G-A.
Other names: short protein forms R659W.
Identifiers: ClinVar variation 658319 (VCV000658319.12), dbSNP rs372939905, ClinGen allele CA7285582.

ClinVar aggregate classification (germline): Conflicting classifications of pathogenicity. Review status: criteria provided, conflicting classifications (1 of 4 stars). 4 submissions from 4 submitters: Likely pathogenic (1); Uncertain significance (3). Last evaluated 2025-08-14.

Conditions:
Muscular dystrophy-dystroglycanopathy (congenital with brain and eye anomalies), type A2. Also called: WALKER-WARBURG SYNDROME OR MUSCLE-EYE-BRAIN DISEASE, POMT2-RELATED; MUSCULAR DYSTROPHY-DYSTROGLYCANOPATHY (CONGENITAL WITH BRAIN AND EYE ANOMALIES), TYPE A, 2. Identifiers: Orphanet 588, Orphanet 899, MedGen C3150411, MONDO:0013154, OMIM 613150.
Muscular dystrophy-dystroglycanopathy (congenital with impaired intellectual development), type B, 2. Also called: Muscular dystrophy-dystroglycanopathy (congenital with intellectual disability), type B2; MUSCULAR DYSTROPHY, CONGENITAL, POMT2-RELATED. Identifiers: MedGen C3150416, MONDO:0013160, OMIM 613156.
Autosomal recessive limb-girdle muscular dystrophy type 2N. Also called: MUSCULAR DYSTROPHY-DYSTROGLYCANOPATHY, LIMB-GIRDLE, POMT2-RELATED; Muscular dystrophy-dystroglycanopathy (limb-girdle), type C, 2. Identifiers: Orphanet 206559, MedGen C3150418, MONDO:0013162, OMIM 613158.

Allele frequency attached by ClinVar (database versions not stated): TOPMed 0.00001; ExAC 0.00003; gnomAD exomes 0.00002 and 0.00003; ESP Exome Variant Server 0.00008; gnomAD 0.00001.
gnomAD v4.1: 26 of 1,613,782 alleles (0.0016%); highest among the groups gnomAD compares: East Asian, 0.0022%; no homozygotes.

Submissions (4):

Women's Health and Genetics/Laboratory Corporation of America, LabCorp
Classification: Uncertain significance. Last evaluated: 2025-08-14. Review status: criteria provided, single submitter. Criteria: LabCorp Variant Classification Summary - May 2015. Collection method: clinical testing. Allele origin: germline.
Comment: Variant summary: POMT2 c.1975C>T (p.Arg659Trp) results in a non-conservative amino acid change located in the Protein O-mannosyl-transferase, C-terminal four TM domain (IPR032421) of the encoded protein sequence. Algorithms developed to predict the effect of missense changes on protein structure and function all suggest that this variant is likely to be disruptive. The variant allele was found at a frequency of 3.2e-05 in 251322 control chromosomes. c.1975C>T has been observed in compound heterozygous individuals affected with features of congenital muscular dystrophy (CMD)/Limb-Girdle Muscular Dystrophy, Autosomal Recessive (e.g., Messina_2008, Savarese_2014). These data indicate that the variant may be associated with disease. To our knowledge, no experimental evidence demonstrating an impact on protein function has been reported. The following publications have been ascertained in the context of this evaluation (PMID: 25214167, 18513969). ClinVar contains an entry for this variant (Variation ID: 658319). Based on the evidence outlined above, the variant was classified as VUS-possibly pathogenic.

Baylor Genetics
Classification: Likely pathogenic for Muscular dystrophy-dystroglycanopathy (congenital with brain and eye anomalies), type A2. Last evaluated: 2024-03-23. Review status: criteria provided, single submitter. Criteria: ACMG Guidelines, 2015. Collection method: clinical testing. Allele origin: unknown.

Labcorp Genetics (formerly Invitae), Labcorp
Classification: Uncertain significance for Muscular dystrophy-dystroglycanopathy (congenital with impaired intellectual development), type B, 2; Muscular dystrophy-dystroglycanopathy (congenital with brain and eye anomalies), type A2; Autosomal recessive limb-girdle muscular dystrophy type 2N. Last evaluated: 2022-04-12. Review status: criteria provided, single submitter. Criteria: Invitae Variant Classification Sherloc (09022015). Collection method: clinical testing. Allele origin: germline.
Comment: This sequence change replaces arginine, which is basic and polar, with tryptophan, which is neutral and slightly polar, at codon 659 of the POMT2 protein (p.Arg659Trp). This variant is present in population databases (rs372939905, gnomAD 0.006%). This missense change has been observed in individual(s) with clinical features of muscular dystrophy-dystroglycanopathy (PMID: 18513969, 25214167). ClinVar contains an entry for this variant (Variation ID: 658319). Algorithms developed to predict the effect of missense changes on protein structure and function (SIFT, PolyPhen-2, Align-GVGD) all suggest that this variant is likely to be disruptive. In summary, the available evidence is currently insufficient to determine the role of this variant in disease. Therefore, it has been classified as a Variant of Uncertain Significance.

Revvity Omics, Revvity
Classification: Uncertain significance. Last evaluated: 2021-05-07. Review status: criteria provided, single submitter. Criteria: ACMG Guidelines, 2015. Collection method: clinical testing. Allele origin: germline.

Literature cited by the submitters: PubMed 25214167 (cited by Women's Health and Genetics/Laboratory Corporation of America, LabCorp and Labcorp Genetics (formerly Invitae), Labcorp); PubMed 18513969 (cited by Women's Health and Genetics/Laboratory Corporation of America, LabCorp and Labcorp Genetics (formerly Invitae), Labcorp).